The following is an entry in ClinVar:

NM_001211.6(BUB1B):c.1262G>T (p.Arg421Leu)

Gene: BUB1B (BUB1 mitotic checkpoint serine/threonine kinase B; plus strand). Cytogenetic location: 15q15.1.
Variant type: single nucleotide variant.
Coding change: c.1262G>T on transcript NM_001211.6 (MANE Select); coding-DNA position 1262, G replaced by T.
Protein change: p.Arg421Leu; replaces arginine 421 with leucine.
Molecular consequence: missense variant.
Genome position (GRCh38, 1-based): chr15:40,196,748, G>T. VCF-style: chr15-40196748-G-T. GRCh37 (hg19) VCF-style: chr15-40488949-G-T.
Other names: short protein forms R421L.
Identifiers: ClinVar variation 2585918 (VCV002585918.2), dbSNP rs150983783, ClinGen allele CA391687711.

ClinVar aggregate classification (germline): Uncertain significance (1 of 4 stars; one submission).

Conditions:
Inborn genetic diseases. Identifiers: MedGen C0950123, MeSH D030342.

gnomAD v4.1: 1 of 1,613,918 alleles (0.000062%); no homozygotes.

Submission:

Ambry Genetics
Classification: Uncertain significance for Inborn genetic diseases. Last evaluated: 2023-07-26. Review status: criteria provided, single submitter. Criteria: Ambry Variant Classification Scheme 2023. Collection method: clinical testing. Allele origin: germline.
Comment: The p.R421L variant (also known as c.1262G>T), located in coding exon 9 of the BUB1B gene, results from a G to T substitution at nucleotide position 1262. The arginine at codon 421 is replaced by leucine, an amino acid with dissimilar properties. This amino acid position is conserved. In addition, this alteration is predicted to be tolerated by in silico analysis. Since supporting evidence is limited at this time, the clinical significance of this alteration remains unclear.